The following is an entry in ClinVar:

ClinVar aggregate classification (germline): Uncertain significance (1 of 4 stars; one submission).

Allele frequency attached by ClinVar (database versions not stated): gnomAD exomes below 0.00001; ExAC 0.00001; TOPMed 0.00002; gnomAD 0.00001.
gnomAD v4.1: 3 of 1,614,026 alleles (0.00019%); highest among the groups gnomAD compares: African/African-American, 0.004%; no homozygotes.

Submission:

Labcorp Genetics (formerly Invitae), Labcorp
Classification: Uncertain significance. Last evaluated: 2025-06-04. Review status: criteria provided, single submitter. Criteria: Invitae Variant Classification Sherloc (09022015). Collection method: clinical testing. Allele origin: germline.
Comment: This sequence change replaces tyrosine, which is neutral and polar, with cysteine, which is neutral and slightly polar, at codon 276 of the GNMT protein (p.Tyr276Cys). This variant is present in population databases (rs767379802, gnomAD 0.007%). This variant has not been reported in the literature in individuals affected with GNMT-related conditions. ClinVar contains an entry for this variant (Variation ID: 1474760). Invitae Evidence Modeling of protein sequence and biophysical properties (such as structural, functional, and spatial information, amino acid conservation, physicochemical variation, residue mobility, and thermodynamic stability) indicates that this missense variant is not expected to disrupt GNMT protein function with a negative predictive value of 80%. In summary, the available evidence is currently insufficient to determine the role of this variant in disease. Therefore, it has been classified as a Variant of Uncertain Significance.

NM_018960.6(GNMT):c.827A>G (p.Tyr276Cys)

Genes: CNPY3-GNMT (CNPY3-GNMT readthrough; plus strand), GNMT (glycine N-methyltransferase; plus strand). Cytogenetic location: 6p21.1.
Variant type: single nucleotide variant.
Coding change: c.827A>G on transcript NM_018960.6 (MANE Select); coding-DNA position 827, A replaced by G.
Protein change: p.Tyr276Cys; replaces tyrosine 276 with cysteine.
Molecular consequence: missense variant. On other transcripts: non-coding transcript variant (4).
Genome position (GRCh38, 1-based): chr6:42,963,645, A>G. VCF-style: chr6-42963645-A-G. GRCh37 (hg19) VCF-style: chr6-42931383-A-G.
Other names: c.629A>G, p.Tyr210Cys (NM_001318856.2); c.644A>G, p.Tyr215Cys (NM_001318857.2); c.536A>G, p.Tyr179Cys (NM_001318858.2); c.770A>G, p.Tyr257Cys (NM_001318865.2); short protein forms Y179C, Y210C, Y257C, Y276C, Y215C.
Identifiers: ClinVar variation 1474760 (VCV001474760.6), dbSNP rs767379802, ClinGen allele CA3810818.